The following is an entry in ClinVar:

ClinVar aggregate classification (germline): Uncertain significance (1 of 4 stars; one submission).

Conditions:
Cardiomyopathy (CMYO). Also called: Cardiomyopathies. Identifiers: Orphanet 167848, MedGen C0878544, MONDO:0004994, HP:0001638. Inheritance: Various modes of inheritance.

Allele frequency attached by ClinVar (database versions not stated): gnomAD exomes below 0.00001; gnomAD 0.00001.
gnomAD v4.1: 2 of 1,613,652 alleles (0.00012%); highest among the groups gnomAD compares: Admixed American, 0.0017%; no homozygotes.

Submission:

Color Diagnostics, LLC DBA Color Health
Classification: Uncertain significance for Cardiomyopathy. Last evaluated: 2023-12-05. Review status: criteria provided, single submitter. Criteria: ACMG Guidelines, 2015. Collection method: clinical testing. Allele origin: germline.
Comment: Variant of Uncertain Significance due to insufficient evidence: This missense variant replaces glutamic acid with lysine at codon 962 of the DSP protein. Computational prediction tools and conservation analyses suggest that this variant may have deleterious impact on the protein function. Computational splicing tools suggest that this variant may not impact RNA splicing. To our knowledge, functional assays have not been performed for this variant nor has this variant been reported in individuals affected with cardiovascular disorders in the literature. This variant has been identified in 1/251388 chromosomes in the general population by the Genome Aggregation Database (gnomAD). Available evidence is insufficient to determine the role of this variant in disease conclusively.

NM_004415.4(DSP):c.2884G>A (p.Glu962Lys)

Gene: DSP (desmoplakin; plus strand). Cytogenetic location: 6p24.3.
Variant type: single nucleotide variant.
Coding change: c.2884G>A on transcript NM_004415.4 (MANE Select); coding-DNA position 2884, G replaced by A.
Protein change: p.Glu962Lys; replaces glutamic acid 962 with lysine.
Molecular consequence: missense variant.
Genome position (GRCh38, 1-based): chr6:7,577,785, G>A. VCF-style: chr6-7577785-G-A. GRCh37 (hg19) VCF-style: chr6-7578018-G-A.
Other names: c.2884G>A, p.Glu962Lys (NM_001008844.3, NM_001319034.2); short protein forms E962K.
Identifiers: ClinVar variation 918530 (VCV000918530.5), dbSNP rs1289962465, ClinGen allele CA362682367.